The following is an entry in ClinVar:

NM_001370259.2(MEN1):c.443C>T (p.Thr148Ile)

Gene: MEN1 (menin 1; minus strand). Cytogenetic location: 11q13.1.
Variant type: single nucleotide variant.
Coding change: c.443C>T on transcript NM_001370259.2 (MANE Select); coding-DNA position 443, C replaced by T.
Protein change: p.Thr148Ile; replaces threonine 148 with isoleucine.
Molecular consequence: missense variant. On other transcripts: non-coding transcript variant (4).
Genome position (GRCh38, 1-based): chr11:64,809,667, G>A on the plus strand (C>T on the coding strand, the complement: MEN1 is on the minus strand). VCF-style: chr11-64809667-G-A. GRCh37 (hg19) VCF-style: chr11-64577139-G-A.
Other names: c.443C>T, p.Thr148Ile (NM_000244.4, NM_001370251.2, NM_001370260.2 and 20 more transcripts); short protein forms T148I.
Identifiers: ClinVar variation 2564962 (VCV002564962.3), dbSNP rs2497255523, ClinGen allele CA381186651.
Genomic context (GRCh38, chr11:64,809,667, plus strand): 5'-CATGGAGGGTTTTGAAGAAGTGGGTCATGGATAAGATTCCCACCTACTGGGCTCCAACCT[G>A]TGATGAAGCTGAAGAGGGACTGGATGTGGGCCCGATCCTTGAAGTAGGAGCGGCTGAGGC-3'
Protein context (NP_001357188.2, residues 138-158): AHIQSLFSFI[Thr148Ile]GTKLDSSGVA

ClinVar aggregate classification (germline): Uncertain significance. Review status: criteria provided, multiple submitters, no conflicts (2 of 4 stars). 2 submissions from 2 submitters: Uncertain significance (2). Last evaluated 2023-08-25.

Conditions:
Multiple endocrine neoplasia, type 1 (MEN1). Also called: MEN I; MEA I; WERMER SYNDROME; Endocrine adenomatosis multiple; MEN 1. Identifiers: Orphanet 652, MedGen C0025267, MeSH D018761, MONDO:0007540, OMIM 131100.
Hereditary cancer-predisposing syndrome. Also called: Neoplastic Syndromes, Hereditary; Hereditary Cancer Syndrome; Tumor predisposition; Hereditary neoplastic syndrome. Identifiers: Orphanet 140162, MedGen C0027672, MeSH D009386, MONDO:0015356.

Submissions (2):

Baylor Genetics
Classification: Uncertain significance for Multiple Endocrine Neoplasia Type 1. Last evaluated: 2023-08-25. Review status: criteria provided, single submitter. Criteria: ACMG Guidelines, 2015. Collection method: clinical testing. Allele origin: unknown.

Ambry Genetics
Classification: Uncertain significance for Hereditary cancer-predisposing syndrome. Last evaluated: 2023-04-24. Review status: criteria provided, single submitter. Criteria: Ambry Variant Classification Scheme 2023. Collection method: clinical testing. Allele origin: germline.
Comment: The p.T148I variant (also known as c.443C>T), located in coding exon 1 of the MEN1 gene, results from a C to T substitution at nucleotide position 443. The threonine at codon 148 is replaced by isoleucine, an amino acid with similar properties. This amino acid position is conserved. In addition, this alteration is predicted to be deleterious by in silico analysis. Since supporting evidence is limited at this time, the clinical significance of this alteration remains unclear.